The following is an entry in ClinVar:

NM_002880.4(RAF1):c.887G>T (p.Ser296Ile)

Gene: RAF1 (Raf-1 proto-oncogene, serine/threonine kinase; minus strand). Cytogenetic location: 3p25.2.
Variant type: single nucleotide variant.
Coding change: c.887G>T on transcript NM_002880.4 (MANE Select); coding-DNA position 887, G replaced by T.
Protein change: p.Ser296Ile; replaces serine 296 with isoleucine.
Molecular consequence: missense variant. On other transcripts: non-coding transcript variant (3).
Genome position (GRCh38, 1-based): chr3:12,600,255, C>A on the plus strand (G>T on the coding strand, the complement: RAF1 is on the minus strand). VCF-style: chr3-12600255-C-A. GRCh37 (hg19) VCF-style: chr3-12641754-C-A.
Other names: c.947G>T, p.Ser316Ile (NM_001354689.3); c.887G>T, p.Ser296Ile (NM_001354690.3); c.644G>T, p.Ser215Ile (NM_001354691.3, NM_001354692.3); c.788G>T, p.Ser263Ile (NM_001354693.3); c.704G>T, p.Ser235Ile (NM_001354694.3); c.545G>T, p.Ser182Ile (NM_001354695.3); short protein forms S296I, S316I, S182I, S235I, S263I, S215I.
Identifiers: ClinVar variation 518733 (VCV000518733.5), dbSNP rs762326811, ClinGen allele CA2259636.

ClinVar aggregate classification (germline): Uncertain significance (1 of 4 stars; one submission).

Conditions:
Cardiovascular phenotype. Identifiers: MedGen CN230736.

Allele frequency attached by ClinVar (database versions not stated): gnomAD exomes below 0.00001; ExAC 0.00001.
gnomAD v4.1: 1 of 1,614,116 alleles (0.000062%); highest among the groups gnomAD compares: East Asian, 0.0022%; no homozygotes.

Submission:

Ambry Genetics
Classification: Uncertain significance for Cardiovascular phenotype. Last evaluated: 2017-11-03. Review status: criteria provided, single submitter. Criteria: Ambry Variant Classification Scheme 2023. Collection method: clinical testing. Allele origin: germline.
Comment: The p.S296I variant (also known as c.887G>T), located in coding exon 8 of the RAF1 gene, results from a G to T substitution at nucleotide position 887. The serine at codon 296 is replaced by isoleucine, an amino acid with dissimilar properties. This amino acid position is highly conserved in available vertebrate species. In addition, the in silico prediction for this alteration is inconclusive. Since supporting evidence is limited at this time, the clinical significance of this alteration remains unclear.